The following is an entry in ClinVar:

NM_001267550.2(TTN):c.47606C>G (p.Ser15869Ter)

Genes: TTN (titin; minus strand), TTN-AS1 (TTN antisense RNA 1; plus strand). Cytogenetic location: 2q31.2.
Variant type: single nucleotide variant.
Coding change: c.47606C>G on transcript NM_001267550.2 (MANE Select); coding-DNA position 47606, C replaced by G.
Protein change: p.Ser15869Ter; replaces serine 15869 with a stop codon.
Molecular consequence: nonsense.
Genome position (GRCh38, 1-based): chr2:178,617,479, G>C on the plus strand (C>G on the coding strand, the complement: TTN is on the minus strand). VCF-style: chr2-178617479-G-C. GRCh37 (hg19) VCF-style: chr2-179482206-G-C.
Other names: c.42683C>G, p.Ser14228Ter (NM_001256850.1); c.20411C>G, p.Ser6804Ter (NM_003319.4); c.39902C>G, p.Ser13301Ter (NM_133378.4); c.20786C>G, p.Ser6929Ter (NM_133432.3); c.20987C>G, p.Ser6996Ter (NM_133437.4); short protein forms S13301*, S14228*, S15869*, S6804*, S6929*, S6996*.
Identifiers: ClinVar variation 3755475 (VCV003755475.2).

ClinVar aggregate classification (germline): Likely pathogenic (1 of 4 stars; one submission).

Conditions:
Dilated cardiomyopathy 1G (CMD1G). Identifiers: Orphanet 154, MedGen C1858763, MONDO:0011400, OMIM 604145.
Autosomal recessive limb-girdle muscular dystrophy type 2J (LGMDR10). Also called: Limb-girdle muscular dystrophy, type 2J; MUSCULAR DYSTROPHY, LIMB-GIRDLE, AUTOSOMAL RECESSIVE 10. Identifiers: Orphanet 140922, MedGen C1837342, MONDO:0012127, OMIM 608807.

Submission:

Labcorp Genetics (formerly Invitae), Labcorp
Classification: Likely pathogenic for Dilated cardiomyopathy 1G; Autosomal recessive limb-girdle muscular dystrophy type 2J. Last evaluated: 2024-03-22. Review status: criteria provided, single submitter. Criteria: Invitae Variant Classification Sherloc (09022015). Collection method: clinical testing. Allele origin: germline.
Comment: This sequence change creates a premature translational stop signal (p.Ser15869*) in the TTN gene. While this is not anticipated to result in nonsense mediated decay, it is expected to create a truncated TTN protein. This variant is not present in population databases (gnomAD no frequency). This variant has not been reported in the literature in individuals affected with TTN-related conditions. This variant is located in the A band of TTN (PMID: 25589632). Truncating variants in this region are significantly overrepresented in patients affected with dilated cardiomyopathy (PMID: 25589632). Truncating variants in this region have also been reported in individuals affected with autosomal recessive centronuclear myopathy (PMID: 23975875). In summary, the currently available evidence indicates that the variant is pathogenic, but additional data are needed to prove that conclusively. Therefore, this variant has been classified as Likely Pathogenic.

Literature cited by the submitters: PubMed 25589632; PubMed 23975875.